The following is an entry in ClinVar:

NM_006852.6(TLK2):c.587del (p.Ser196fs)

Gene: TLK2 (tousled like kinase 2; plus strand). Cytogenetic location: 17q23.2.
Variant type: Deletion.
Coding change: c.587del on transcript NM_006852.6 (MANE Select); coding-DNA position 587, one base deleted (G; older notation c.587delG).
Protein change: p.Ser196fs; shifts the reading frame from serine 196.
Molecular consequence: frameshift variant. On other transcripts: intron variant (2).
Genome position (GRCh38, 1-based): chr17:62,552,357, G deleted. VCF-style (leftmost placement, unchanged base first): chr17-62552356-AG-A. GRCh37 (hg19) VCF-style: chr17-60629717-AG-A.
Other names: c.491del, p.Ser164fs (NM_001438204.1, NM_001284363.1, NM_001375272.1 and 1 more transcripts); c.436-7659del (NM_001411074.1); c.532-7659del (NM_001438205.1); c.587del, p.Ser196fs (NM_001284333.3, NM_001375270.1, NM_001375271.1); c.140del, p.Ser47fs (NM_001330418.3, NM_001375273.1); c.629del, p.Ser210fs (NM_001375269.1); short protein forms S164fs, S196fs, S210fs, S47fs.
Identifiers: ClinVar variation 4850716 (VCV004850716.1).
Genomic context (GRCh38, chr17:62,552,356, plus strand): 5'-TTGTAGGCTCAGCAAAACAGTCCCTCATCTACGGGATCTGGCAACACAGAGCATTCCTGC[AG>A]CTCCCAAAAACAGATCTCCATCCAGCACAGACAGACCCAGGTAGGTTGGTGATCGATAAT-3'

ClinVar aggregate classification (germline): Likely pathogenic (1 of 4 stars; one submission).

Conditions:
Intellectual developmental disorder, autosomal dominant 57. Also called: MENTAL RETARDATION, AUTOSOMAL DOMINANT 57; Intellectual disability, autosomal dominant 57. Identifiers: MedGen C4748003, MONDO:0054837, OMIM 618050.

Submission:

Variantyx, Inc.
Classification: Likely pathogenic for Intellectual developmental disorder, autosomal dominant 57. Last evaluated: 2025-07-08. Review status: criteria provided, single submitter. Criteria: Variantyx Assertion Criteria 2022. Collection method: clinical testing. Allele origin: germline. Inheritance: Autosomal dominant inheritance. Affected: yes.
Comment: This is a frameshift variant in the TLK2 gene (OMIM: 608439). Pathogenic variants in this gene have been associated with autosomal dominant intellectual developmental disorder 57. This variant introduces a premature termination codon in exon 8 out of 22 and is expected to result in loss of function, which is a known disease mechanism for TLK2 in this disorder (PMID: 29861108) (PVS1). This variant is absent from control populations (PM2), and it has not been previously reported in individuals with TLK2-related disorders in the databases available for review. Inheritance from an unaffected or mildly affected parent has been reported, consistent with incomplete penetrance and variable expressivity (PMID:29861108). TBased on the current evidence, this variant is classified as likely pathogenic for autosomal dominant intellectual developmental disorder 57.

Literature cited by the submitters: PubMed 29861108.